The following is an entry in ClinVar:

ClinVar aggregate classification (germline): Uncertain significance (0 of 4 stars; one submission).

Conditions:
APOL1-related disorder. Also called: APOL1-related condition.

gnomAD v4.1: 1 of 1,613,930 alleles (0.000062%); highest among the groups gnomAD compares: Non-Finnish European, 0.000085%; no homozygotes.

Submission:

PreventionGenetics, part of Exact Sciences
Classification: Uncertain significance for APOL1-related condition. Last evaluated: 2024-07-08. Review status: no assertion criteria provided. Collection method: clinical testing. Allele origin: germline.
Comment: The APOL1 c.315-1G>A variant is predicted to disrupt the AG splice acceptor site and interfere with normal splicing. To our knowledge, this variant has not been reported in the literature or in a large population database, indicating this variant is rare. Of note, loss-of-function, including splicing variants, is not an established mechanism of APOL1-related disease. Although we suspect that this variant may be pathogenic, at this time, the clinical significance of this variant is uncertain due to the absence of conclusive functional and genetic evidence.

NM_003661.4(APOL1):c.315-1G>A

Gene: APOL1 (apolipoprotein L1; plus strand). Cytogenetic location: 22q12.3.
Variant type: single nucleotide variant.
Coding change: c.315-1G>A on transcript NM_003661.4 (MANE Select); the canonical splice acceptor site of the intron before coding-DNA position 315, G replaced by A.
Molecular consequence: splice acceptor variant.
Genome position (GRCh38, 1-based): chr22:36,265,150, G>A. VCF-style: chr22-36265150-G-A. GRCh37 (hg19) VCF-style: chr22-36661196-G-A.
Other names: c.363-1G>A (NM_145343.3); c.315-1G>A (NM_001136540.2); c.261-1G>A (NM_001362927.2, NM_001136541.2).
Identifiers: ClinVar variation 3347807 (VCV003347807.1).